The following is an entry in ClinVar:

NM_000334.4(SCN4A):c.3679_3681del (p.Tyr1227del)

Genes: GH-LCR (growth hormone locus control region; plus strand), SCN4A (sodium voltage-gated channel alpha subunit 4; minus strand). Cytogenetic location: 17q23.3.
Variant type: Deletion.
Coding change: c.3679_3681del on transcript NM_000334.4 (MANE Select); coding-DNA positions 3679 to 3681, 3 bases deleted (TAC; older notation c.3679_3681delTAC).
Protein change: p.Tyr1227del; deletes tyrosine 1227.
Molecular consequence: inframe deletion.
Genome position (GRCh38, 1-based): chr17:63,945,399-63,945,401, GTA deleted on the plus strand (TAC on the coding strand, the reverse complement: SCN4A is on the minus strand); deleting any 3 consecutive bases within chr17:63,945,399-63,945,403 gives the same sequence; the c. name uses the placement nearest the transcript's 3' end. VCF-style (leftmost placement, unchanged base first): chr17-63945398-CGTA-C. GRCh37 (hg19) VCF-style: chr17-62022758-CGTA-C.
Other names: short protein forms Y1227del.
Identifiers: ClinVar variation 4884050 (VCV004884050.2).

ClinVar aggregate classification (germline): Uncertain significance (1 of 4 stars; one submission).

Submission:

Dasa
Classification: Uncertain significance. Last evaluated: 2025-06-12. Review status: criteria provided, single submitter. Criteria: DASA Assertion Criteria. Collection method: clinical testing. Allele origin: germline.
Comment: NM_000334.4(SCN4A):c.3679_3681del (p.Tyr1227del) is an in-frame deletion predicted to remove tyrosine at protein position 1227 without shifting the reading frame. This variant is absent from population databases. The currently available literature and clinical evidence are not sufficient to establish a definitive association between this variant and the reported condition. Therefore, this variant is classified as a variant of uncertain significance.